The following is an entry in ClinVar:

ClinVar aggregate classification (germline): Uncertain significance (1 of 4 stars; one submission).

Conditions:
Renal cell carcinoma. Identifiers: Orphanet 217071, MedGen C0007134, MeSH D002292, MONDO:0005086, HP:0005584.

Submission:

Labcorp Genetics (formerly Invitae), Labcorp
Classification: Uncertain significance for Renal cell carcinoma. Last evaluated: 2025-12-01. Review status: criteria provided, single submitter. Criteria: Invitae Variant Classification Sherloc (09022015). Collection method: clinical testing. Allele origin: germline.
Comment: This sequence change replaces isoleucine, which is neutral and non-polar, with methionine, which is neutral and non-polar, at codon 565 of the MET protein (p.Ile565Met). This variant is not present in population databases (gnomAD no frequency). This variant has not been reported in the literature in individuals affected with MET-related conditions. Invitae Evidence Modeling of protein sequence and biophysical properties (such as structural, functional, and spatial information, amino acid conservation, physicochemical variation, residue mobility, and thermodynamic stability) indicates that this missense variant is expected to disrupt MET protein function with a positive predictive value of 80%. In summary, the available evidence is currently insufficient to determine the role of this variant in disease. Therefore, it has been classified as a Variant of Uncertain Significance.

NM_000245.4(MET):c.1695C>G (p.Ile565Met)

Gene: MET (MET proto-oncogene, receptor tyrosine kinase; plus strand). Cytogenetic location: 7q31.2.
Variant type: single nucleotide variant.
Coding change: c.1695C>G on transcript NM_000245.4 (MANE Select); coding-DNA position 1695, C replaced by G.
Protein change: p.Ile565Met; replaces isoleucine 565 with methionine.
Molecular consequence: missense variant.
Genome position (GRCh38, 1-based): chr7:116,741,019, C>G. VCF-style: chr7-116741019-C-G. GRCh37 (hg19) VCF-style: chr7-116381073-C-G.
Other names: c.1695C>G, p.Ile565Met (NM_001127500.3, NM_001324401.3); c.405C>G, p.Ile135Met (NM_001324402.2); short protein forms I135M, I565M.
Identifiers: ClinVar variation 4803586 (VCV004803586.1).